The following is an entry in ClinVar:

ClinVar aggregate classification (germline): Conflicting classifications of pathogenicity. Review status: criteria provided, conflicting classifications (1 of 4 stars). 2 submissions from 2 submitters: Uncertain significance (1); Likely benign (1). Last evaluated 2023-08-23.

Conditions:
Charcot-Marie-Tooth disease type 2. Also called: Charcot-Marie-Tooth type 2. Identifiers: Orphanet 64746, MedGen C0270914, MONDO:0018993.

Allele frequency attached by ClinVar (database versions not stated): gnomAD exomes below 0.00001; TOPMed below 0.00001; gnomAD 0.00001.
gnomAD v4.1: 7 of 1,613,854 alleles (0.00043%); highest among the groups gnomAD compares: East Asian, 0.0022%; no homozygotes.

Submissions (2):

Labcorp Genetics (formerly Invitae), Labcorp
Classification: Likely benign for Charcot-Marie-Tooth disease type 2. Last evaluated: 2023-08-23. Review status: criteria provided, single submitter. Criteria: Invitae Variant Classification Sherloc (09022015). Collection method: clinical testing. Allele origin: germline.

Ambry Genetics
Classification: Uncertain significance. Last evaluated: 2023-08-02. Review status: criteria provided, single submitter. Criteria: Ambry Variant Classification Scheme 2023. Collection method: clinical testing. Allele origin: germline.
Comment: The c.5034C>T variant (also known as p.V1678V), located in coding exon 44 of the KIF1B gene, results from a C to T substitution at nucleotide position 5034. This nucleotide substitution does not change the valine at codon 1678. This nucleotide position is poorly conserved in available vertebrate species. In silico splice site analysis for this alteration is inconclusive. The evidence for this gene-disease relationship is limited; therefore, the clinical significance of this alteration is unclear.

NM_001365951.3(KIF1B):c.5172C>T (p.Val1724=)

Gene: KIF1B (kinesin family member 1B; plus strand). Cytogenetic location: 1p36.22.
Variant type: single nucleotide variant.
Coding change: c.5172C>T on transcript NM_001365951.3 (MANE Select); coding-DNA position 5172, C replaced by T.
Protein change: p.Val1724=; no amino-acid change (valine 1724 retained).
Molecular consequence: synonymous variant.
Genome position (GRCh38, 1-based): chr1:10,374,929, C>T. VCF-style: chr1-10374929-C-T. GRCh37 (hg19) VCF-style: chr1-10434987-C-T.
Other names: c.5172C>T, p.Val1724= (NM_001365952.1); c.5034C>T, p.Val1678= (NM_015074.3).
Identifiers: ClinVar variation 2625068 (VCV002625068.5), dbSNP rs1217853804, ClinGen allele CA415888591.